The following is an entry in ClinVar:

ClinVar aggregate classification (germline): Pathogenic. Review status: criteria provided, multiple submitters, no conflicts (2 of 4 stars). 5 submissions from 5 submitters: Pathogenic (4). 1 of the submissions does not count toward it. Last evaluated 2025-09-10.

Conditions:
Neurofibromatosis, type 1 (NF1). Also called: VON RECKLINGHAUSEN DISEASE; NEUROFIBROMATOSIS, TYPE I, SOMATIC; Peripheral type neurofibromatosis; Neurofibromatosis, type I. Identifiers: Orphanet 636, MedGen C0027831, MONDO:0018975, OMIM 162200. Disease mechanism: loss of function.
NF1-related disorder. Also called: NF1-related condition. Identifiers: MedGen CN379171.
Cardiovascular phenotype. Identifiers: MedGen CN230736.
Hereditary cancer-predisposing syndrome. Also called: Tumor predisposition; Neoplastic Syndromes, Hereditary; Hereditary Cancer Syndrome; Hereditary neoplastic syndrome. Identifiers: Orphanet 140162, MedGen C0027672, MeSH D009386, MONDO:0015356.

Submissions (5):

GeneDx
Classification: Pathogenic. Last evaluated: 2025-09-10. Review status: criteria provided, single submitter. Criteria: GeneDx Variant Classification Process June 2021. Collection method: clinical testing. Allele origin: germline. Affected: yes.
Comment: Nonsense variant predicted to result in protein truncation or nonsense mediated decay in a gene for which loss of function is a known mechanism of disease; Not observed at significant frequency in large population cohorts (gnomAD); This variant is associated with the following publications: (PMID: 25525159, 10862084)

Ambry Genetics
Classification: Pathogenic for Cardiovascular phenotype; Hereditary cancer-predisposing syndrome. Last evaluated: 2024-08-06. Review status: criteria provided, single submitter. Criteria: Ambry Variant Classification Scheme 2023. Collection method: clinical testing. Allele origin: germline.
Comment: The p.Q1966* pathogenic mutation (also known as c.5896C>T), located in coding exon 39 of the NF1 gene, results from a C to T substitution at nucleotide position 5896. This changes the amino acid from a glutamine to a stop codon within coding exon 39. This variant, also reported as p.Q1966X, has been observed in at least one individual with a personal and family history that is consistent with Neurofibromatosis type 1 (Ambry internal data; Messiaen LM et al. Hum Mutat, 2000;15:541-55). This variant is considered to be rare based on population cohorts in the Genome Aggregation Database (gnomAD). In addition to the clinical data presented in the literature, this alteration is expected to result in loss of function by premature protein truncation or nonsense-mediated mRNA decay. As such, this alteration is interpreted as a disease-causing mutation.

Genome-Nilou Lab
Classification: Pathogenic for Neurofibromatosis, type 1. Last evaluated: 2022-03-15. Review status: criteria provided, single submitter. Criteria: ACMG Guidelines, 2015. Collection method: clinical testing. Allele origin: germline. Affected: no.

Labcorp Genetics (formerly Invitae), Labcorp
Classification: Pathogenic for Neurofibromatosis, type 1. Last evaluated: 2019-12-19. Review status: criteria provided, single submitter. Criteria: Invitae Variant Classification Sherloc (09022015). Collection method: clinical testing. Allele origin: germline.
Comment: For these reasons, this variant has been classified as Pathogenic. Loss-of-function variants in NF1 are known to be pathogenic (PMID: 10712197, 23913538). This variant has been observed in individual(s) with neurofibromatosis type 1 (PMID: 10862084). ClinVar contains an entry for this variant (Variation ID: 620128). This variant is not present in population databases (ExAC no frequency). This sequence change creates a premature translational stop signal (p.Gln1966*) in the NF1 gene. It is expected to result in an absent or disrupted protein product.

PreventionGenetics, part of Exact Sciences
Classification: Pathogenic for NF1-related condition. Last evaluated: 2024-03-19. Review status: no assertion criteria provided. Collection method: clinical testing. Allele origin: germline. Not counted in ClinVar's aggregate classification.
Comment: The NF1 c.5959C>T variant is predicted to result in premature protein termination (p.Gln1987*). This variant, described as c.5896C>T p.Q1966X, was reported in an individual with neurofibromatosis type 1 (Messiaen et al. 2000. PubMed ID: 10862084). This variant has not been reported in a large population database, indicating this variant is rare. In ClinVar, this variant is interpreted as pathogenic. Nonsense variants in NF1 are expected to be pathogenic. This variant is interpreted as pathogenic.

Literature cited by the submitters: PubMed 10862084 (cited by Ambry Genetics and Labcorp Genetics (formerly Invitae), Labcorp); PubMed 10712197 (cited by Labcorp Genetics (formerly Invitae), Labcorp); PubMed 23913538 (cited by Labcorp Genetics (formerly Invitae), Labcorp).

NM_001042492.3(NF1):c.5959C>T (p.Gln1987Ter)

Gene: NF1 (neurofibromin 1; plus strand). Cytogenetic location: 17q11.2.
Variant type: single nucleotide variant.
Coding change: c.5959C>T on transcript NM_001042492.3 (MANE Select); coding-DNA position 5959, C replaced by T.
Protein change: p.Gln1987Ter; replaces glutamine 1987 with a stop codon.
Molecular consequence: nonsense.
Genome position (GRCh38, 1-based): chr17:31,334,984, C>T. VCF-style: chr17-31334984-C-T. GRCh37 (hg19) VCF-style: chr17-29662002-C-T.
Other names: c.5896C>T, p.Gln1966Ter (NM_000267.4); short protein forms Q1966*, Q1987*.
Identifiers: ClinVar variation 620128 (VCV000620128.11), dbSNP rs876659070, ClinGen allele CA399010873.